The following is an entry in ClinVar:

ClinVar aggregate classification (germline): Uncertain significance (1 of 4 stars; one submission).

Conditions:
Benign neonatal seizures. Also called: Convulsions benign familial neonatal dominant form; Autosomal dominant form of benign neonatal seizures; Benign familial neonatal seizures; Benign familial neonatal epilepsy; Benign neonatal familial convulsions. Identifiers: Orphanet 1949, MedGen C0220669, MONDO:0016027.

gnomAD v4.1: 3 of 1,584,458 alleles (0.00019%); highest among the groups gnomAD compares: Non-Finnish European, 0.000087%; no homozygotes.

Submission:

Labcorp Genetics (formerly Invitae), Labcorp
Classification: Uncertain significance for Benign neonatal seizures. Last evaluated: 2024-09-01. Review status: criteria provided, single submitter. Criteria: Invitae Variant Classification Sherloc (09022015). Collection method: clinical testing. Allele origin: germline.
Comment: This sequence change falls in intron 14 of the KCNQ3 gene. It does not directly change the encoded amino acid sequence of the KCNQ3 protein. It affects a nucleotide within the consensus splice site. This variant is present in population databases (rs762334190, gnomAD 0.01%). This variant has not been reported in the literature in individuals affected with KCNQ3-related conditions. Variants that disrupt the consensus splice site are a relatively common cause of aberrant splicing (PMID: 17576681, 9536098). Algorithms developed to predict the effect of sequence changes on RNA splicing suggest that this variant is not likely to affect RNA splicing. In summary, the available evidence is currently insufficient to determine the role of this variant in disease. Therefore, it has been classified as a Variant of Uncertain Significance.

Literature cited by the submitters: PubMed 17576681; PubMed 9536098.

NM_004519.4(KCNQ3):c.1884+6T>A

Gene: KCNQ3 (potassium voltage-gated channel subfamily Q member 3; minus strand). Cytogenetic location: 8q24.22.
Variant type: single nucleotide variant.
Coding change: c.1884+6T>A on transcript NM_004519.4 (MANE Select); 6 bases into the intron after coding-DNA position 1884, T replaced by A.
Molecular consequence: intron variant.
Genome position (GRCh38, 1-based): chr8:132,132,174, A>T on the plus strand (T>A on the coding strand, the complement: KCNQ3 is on the minus strand). VCF-style: chr8-132132174-A-T. GRCh37 (hg19) VCF-style: chr8-133144421-A-T.
Other names: c.1524+6T>A (NM_001204824.2).
Identifiers: ClinVar variation 3664132 (VCV003664132.2).